The following is an entry in ClinVar:

NM_001042492.3(NF1):c.5015A>G (p.Asp1672Gly)

Gene: NF1 (neurofibromin 1; plus strand). Cytogenetic location: 17q11.2.
Variant type: single nucleotide variant.
Coding change: c.5015A>G on transcript NM_001042492.3 (MANE Select); coding-DNA position 5015, A replaced by G.
Protein change: p.Asp1672Gly; replaces aspartic acid 1672 with glycine.
Molecular consequence: missense variant.
Genome position (GRCh38, 1-based): chr17:31,325,999, A>G. VCF-style: chr17-31325999-A-G. GRCh37 (hg19) VCF-style: chr17-29653017-A-G.
Other names: c.4952A>G, p.Asp1651Gly (NM_000267.4); short protein forms D1651G, D1672G.
Identifiers: ClinVar variation 1002183 (VCV001002183.5), dbSNP rs1555533338, ClinGen allele CA399007321.
Genomic context (GRCh38, chr17:31,325,999, plus strand): 5'-ATCGCTTTAAAACAGACTTTCTCTCTAAGTGGTTTGTTGTTTTTCCTGGCTTTGCTTACG[A>G]CAACGTCTCCGCAGTCTATATCTATAACTGTAACTCCTGGGTCAGGGAGTACACCAAGTA-3'
Protein context (NP_001035957.1, residues 1662-1682): WFVVFPGFAY[Asp1672Gly]NVSAVYIYNC

ClinVar aggregate classification (germline): Uncertain significance (1 of 4 stars; one submission).

Conditions:
Neurofibromatosis, type 1 (NF1). Also called: NEUROFIBROMATOSIS, TYPE I, SOMATIC; Peripheral type neurofibromatosis; VON RECKLINGHAUSEN DISEASE; Neurofibromatosis, type I. Identifiers: Orphanet 636, MedGen C0027831, MONDO:0018975, OMIM 162200. Disease mechanism: loss of function.

Submission:

Labcorp Genetics (formerly Invitae), Labcorp
Classification: Uncertain significance for Neurofibromatosis, type 1. Last evaluated: 2020-10-21. Review status: criteria provided, single submitter. Criteria: Invitae Variant Classification Sherloc (09022015). Collection method: clinical testing. Allele origin: germline.
Comment: In summary, the available evidence is currently insufficient to determine the role of this variant in disease. Therefore, it has been classified as a Variant of Uncertain Significance. Advanced modeling of protein sequence and biophysical properties (such as structural, functional, and spatial information, amino acid conservation, physicochemical variation, residue mobility, and thermodynamic stability) performed at Invitae indicates that this missense variant is not expected to disrupt NF1 protein function. This variant has not been reported in the literature in individuals with NF1-related conditions. This variant is not present in population databases (ExAC no frequency). This sequence change replaces aspartic acid with glycine at codon 1651 of the NF1 protein (p.Asp1651Gly). The aspartic acid residue is weakly conserved and there is a moderate physicochemical difference between aspartic acid and glycine.